The following is an entry in ClinVar:

ClinVar aggregate classification (germline): Conflicting classifications of pathogenicity. Review status: criteria provided, conflicting classifications (1 of 4 stars). 3 submissions from 3 submitters: Uncertain significance (2); Likely benign (1). Last evaluated 2024-06-23.

Conditions:
Glomerulopathy with fibronectin deposits 2 (GFND2). Identifiers: Orphanet 84090, MedGen C1866075, MONDO:0011165, OMIM 601894.
Spondylometaphyseal dysplasia - Sutcliffe type. Also called: Spondylometaphyseal Dysplasia, Corner Fracture Type; Spondylometaphyseal dysplasia, 'corner fracture' type; Sutcliffe type of spondylometaphyseal dysplasia; Sutcliffe SMD. Identifiers: Orphanet 93315, MedGen C0432221, MONDO:0008479, OMIM 184255.
FN1-related disorder. Also called: FN1-related condition.

Allele frequency attached by ClinVar (database versions not stated): ExAC 0.00001; gnomAD exomes 0.00001; TOPMed 0.00004.
gnomAD v4.1: 18 of 1,612,668 alleles (0.0011%); highest among the groups gnomAD compares: African/African-American, 0.011%; no homozygotes.

Submissions (3):

Labcorp Genetics (formerly Invitae), Labcorp
Classification: Likely benign. Last evaluated: 2024-06-23. Review status: criteria provided, single submitter. Criteria: Invitae Variant Classification Sherloc (09022015). Collection method: clinical testing. Allele origin: germline.

Fulgent Genetics
Classification: Uncertain significance for Spondylometaphyseal dysplasia - Sutcliffe type; Glomerulopathy with fibronectin deposits 2. Last evaluated: 2024-06-10. Review status: criteria provided, single submitter. Criteria: ACMG Guidelines, 2015. Collection method: clinical testing. Allele origin: germline.

PreventionGenetics, part of Exact Sciences
Classification: Uncertain significance for FN1-related condition. Last evaluated: 2023-04-20. Review status: criteria provided, single submitter. Criteria: ACMG Guidelines, 2015. Collection method: clinical testing. Allele origin: germline.
Comment: The FN1 c.6175G>A variant is predicted to result in the amino acid substitution p.Glu2059Lys. To our knowledge, this variant has not been reported in the literature. This variant is reported in 0.0040% of alleles in individuals of African descent in gnomAD. At this time, the clinical significance of this variant is uncertain due to the absence of conclusive functional and genetic evidence.

NM_212482.4(FN1):c.6175G>A (p.Glu2059Lys)

Gene: FN1 (fibronectin 1; minus strand). Cytogenetic location: 2q35.
Variant type: single nucleotide variant.
Coding change: c.6175G>A on transcript NM_212482.4 (MANE Select); coding-DNA position 6175, G replaced by A.
Protein change: p.Glu2059Lys; replaces glutamic acid 2059 with lysine.
Molecular consequence: missense variant.
Genome position (GRCh38, 1-based): chr2:215,373,394, C>T on the plus strand (G>A on the coding strand, the complement: FN1 is on the minus strand). VCF-style: chr2-215373394-C-T. GRCh37 (hg19) VCF-style: chr2-216238117-C-T.
Other names: c.5632G>A, p.Glu1878Lys (NM_001365523.2, NM_212474.3, NM_212476.3 and 2 more transcripts); c.5902G>A, p.Glu1968Lys (NM_001365524.2, NM_002026.4, NM_212478.3 and 2 more transcripts); c.6175G>A, p.Glu2059Lys (NM_001306129.2); c.5905G>A, p.Glu1969Lys (NM_001306130.2, NM_001365517.2, NM_001365519.2 and 2 more transcripts); short protein forms E1878K, E1968K, E1969K, E2059K.
Identifiers: ClinVar variation 2629157 (VCV002629157.4), dbSNP rs767081660, ClinGen allele CA2093913.